The following is an entry in ClinVar:

NC_000023.10:g.(32328394_32360216)_(32366646_32380904)dup

Gene: DMD (dystrophin; minus strand). Cytogenetic location: Xp21.1.
Variant type: Duplication.
Identifiers: ClinVar variation 1804759 (VCV001804759.1).

ClinVar aggregate classification (germline): Uncertain significance (1 of 4 stars; one submission).

Submission:

Women's Health and Genetics/Laboratory Corporation of America, LabCorp
Classification: Uncertain significance. Last evaluated: 2022-11-11. Review status: criteria provided, single submitter. Criteria: LabCorp Variant Classification Summary - May 2015. Collection method: clinical testing. Allele origin: germline.
Comment: Variant summary: The variant identified by MLPA or other technology involves the duplication of exons 38-41 in the DMD gene. A presumed nomenclature of c.(5325+1_5326-1)_(5922+1_5923-1)dup has been designated for the purposes of this classification. It has been assumed that this is a tandem duplication in direct orientation (Richardson_GIM_2018, Newman_AJHG_2015). Although exact breakpoints of this duplication are not known, it is expected to result in a large in-frame duplication in the DMD gene. The variant was absent in 16120 control chromosomes (gnomAD). The available data on variant occurrences in the general population are insufficient to allow any conclusion about variant significance. To our knowledge, no occurrence of c.(5325+1_5326-1)_(5922+1_5923-1)dup in individuals affected with Dystrophinopathies and no experimental evidence demonstrating its impact on protein function have been reported. No clinical diagnostic laboratories have submitted clinical-significance assessments for this variant to ClinVar after 2014. Based on the evidence outlined above, the variant was classified as uncertain significance.